The following is an entry in ClinVar:

ClinVar aggregate classification (germline): Uncertain significance (1 of 4 stars; one submission).

Conditions:
Cataract 33. Also called: CATARACT 33, CORTICAL. Identifiers: Orphanet 91492, MedGen C3808107, MONDO:0012665, OMIM 611391.

Allele frequency attached by ClinVar (database versions not stated): gnomAD 0.00001; TOPMed 0.00003.
gnomAD v4.1: 9 of 1,614,044 alleles (0.00056%); highest among the groups gnomAD compares: South Asian, 0.0033%; no homozygotes.

Submission:

Labcorp Genetics (formerly Invitae), Labcorp
Classification: Uncertain significance for Cataract 33. Last evaluated: 2022-02-28. Review status: criteria provided, single submitter. Criteria: Invitae Variant Classification Sherloc (09022015). Collection method: clinical testing. Allele origin: germline.
Comment: Algorithms developed to predict the effect of missense changes on protein structure and function (SIFT, PolyPhen-2, Align-GVGD) all suggest that this variant is likely to be disruptive. This sequence change replaces arginine, which is basic and polar, with tryptophan, which is neutral and slightly polar, at codon 283 of the BFSP1 protein (p.Arg283Trp). This variant is present in population databases (no rsID available, gnomAD 0.006%). This variant has not been reported in the literature in individuals affected with BFSP1-related conditions. In summary, the available evidence is currently insufficient to determine the role of this variant in disease. Therefore, it has been classified as a Variant of Uncertain Significance.

NM_001195.5(BFSP1):c.847C>T (p.Arg283Trp)

Gene: BFSP1 (beaded filament structural protein 1; minus strand). Cytogenetic location: 20p12.1.
Variant type: single nucleotide variant.
Coding change: c.847C>T on transcript NM_001195.5 (MANE Select); coding-DNA position 847, C replaced by T.
Protein change: p.Arg283Trp; replaces arginine 283 with tryptophan.
Molecular consequence: missense variant.
Genome position (GRCh38, 1-based): chr20:17,498,929, G>A on the plus strand (C>T on the coding strand, the complement: BFSP1 is on the minus strand). VCF-style: chr20-17498929-G-A. GRCh37 (hg19) VCF-style: chr20-17479574-G-A.
Other names: c.472C>T, p.Arg158Trp (NM_001161705.2); c.430C>T, p.Arg144Trp (NM_001278606.2, NM_001278608.2); c.514C>T, p.Arg172Trp (NM_001278607.2); short protein forms R172W, R144W, R158W, R283W.
Identifiers: ClinVar variation 2024413 (VCV002024413.4), dbSNP rs1214172583, ClinGen allele CA408317370.